The following is an entry in ClinVar:

NM_001367624.2(ZNF469):c.6769A>T (p.Arg2257Ter)

Gene: ZNF469 (zinc finger protein 469; plus strand). Cytogenetic location: 16q24.2.
Variant type: single nucleotide variant.
Coding change: c.6769A>T on transcript NM_001367624.2 (MANE Select); coding-DNA position 6769, A replaced by T.
Protein change: p.Arg2257Ter; replaces arginine 2257 with a stop codon.
Molecular consequence: nonsense.
Genome position (GRCh38, 1-based): chr16:88,434,239, A>T. VCF-style: chr16-88434239-A-T. GRCh37 (hg19) VCF-style: chr16-88500647-A-T.
Other names: short protein forms R2257*.
Identifiers: ClinVar variation 4724007 (VCV004724007.1).
Genomic context (GRCh38, chr16:88,434,239, plus strand): 5'-ACCTGCACTCACAGTGGGGACACCCCCAAAGACAGCACTTTAAGAATTCCAGAGGATTCC[A>T]GAAAAGAGAAGCTGTGGGAGTCTCCTGGCCGAGCCACCTCTCCTCCTCTGGCAGGGGCCG-3'

ClinVar aggregate classification (germline): Pathogenic (1 of 4 stars; one submission).

Submission:

Labcorp Genetics (formerly Invitae), Labcorp
Classification: Pathogenic. Last evaluated: 2025-07-25. Review status: criteria provided, single submitter. Criteria: Invitae Variant Classification Sherloc (09022015). Collection method: clinical testing. Allele origin: germline.
Comment: This sequence change creates a premature translational stop signal (p.Arg2229*) in the ZNF469 gene. While this is not anticipated to result in nonsense mediated decay, it is expected to disrupt the last 1697 amino acid(s) of the ZNF469 protein. This variant is not present in population databases (gnomAD no frequency). This variant has not been reported in the literature in individuals affected with ZNF469-related conditions. This variant disrupts a region of the ZNF469 protein in which other variant(s) (p.Arg3414Glyfs*59) have been determined to be pathogenic (PMID: 32671420). This suggests that this is a clinically significant region of the protein, and that variants that disrupt it are likely to be disease-causing. For these reasons, this variant has been classified as Pathogenic.

Literature cited by the submitters: PubMed 32671420.